The following is an entry in ClinVar:

ClinVar aggregate classification (germline): Uncertain significance. Review status: criteria provided, multiple submitters, no conflicts (2 of 4 stars). 2 submissions from 2 submitters: Uncertain significance (2). Last evaluated 2025-10-29.

Conditions:
Insulin-dependent diabetes mellitus secretory diarrhea syndrome (IPEX). Also called: IPEX and IPEX-Like; DIABETES MELLITUS, CONGENITAL INSULIN-DEPENDENT, WITH FATAL SECRETORY DIARRHEA; DIARRHEA, POLYENDOCRINOPATHY, FATAL INFECTION SYNDROME, X-LINKED; ENTEROPATHY, AUTOIMMUNE, WITH HEMOLYTIC ANEMIA AND POLYENDOCRINOPATHY; Immune dysregulation-polyendocrinopathy-enteropathy-X-linked syndrome; Immunodysregulation, polyendocrinopathy, and enteropathy, X-linked. Identifiers: Orphanet 37042, MedGen C0342288, MONDO:0010580, OMIM 304790. Disease mechanism: loss of function.
Inborn genetic diseases. Identifiers: MedGen C0950123, MeSH D030342.

Allele frequency attached by ClinVar (database versions not stated): gnomAD exomes 0.00001 and 0.00003; ExAC 0.00002; gnomAD 0.00003; TOPMed 0.00004; ESP Exome Variant Server 0.00009.
gnomAD v4.1: 39 of 1,201,586 alleles (0.0032%); highest among the groups gnomAD compares: Non-Finnish European, 0.0042%; no homozygotes.

Submissions (2):

Ambry Genetics
Classification: Uncertain significance for Inborn genetic diseases. Last evaluated: 2025-10-29. Review status: criteria provided, single submitter. Criteria: Ambry Variant Classification Scheme 2023. Collection method: clinical testing. Allele origin: germline.

Labcorp Genetics (formerly Invitae), Labcorp
Classification: Uncertain significance for Insulin-dependent diabetes mellitus secretory diarrhea syndrome. Last evaluated: 2025-05-26. Review status: criteria provided, single submitter. Criteria: Invitae Variant Classification Sherloc (09022015). Collection method: clinical testing. Allele origin: germline.
Comment: This sequence change replaces alanine, which is neutral and non-polar, with valine, which is neutral and non-polar, at codon 258 of the FOXP3 protein (p.Ala258Val). The frequency data for this variant in the population databases is considered unreliable, as metrics indicate poor data quality at this position in the gnomAD database. This variant has not been reported in the literature in individuals affected with FOXP3-related conditions. ClinVar contains an entry for this variant (Variation ID: 529768). Invitae Evidence Modeling of protein sequence and biophysical properties (such as structural, functional, and spatial information, amino acid conservation, physicochemical variation, residue mobility, and thermodynamic stability) indicates that this missense variant is not expected to disrupt FOXP3 protein function with a negative predictive value of 80%. In summary, the available evidence is currently insufficient to determine the role of this variant in disease. Therefore, it has been classified as a Variant of Uncertain Significance.

NM_014009.4(FOXP3):c.773C>T (p.Ala258Val)

Gene: FOXP3 (forkhead box P3; minus strand). Cytogenetic location: Xp11.23.
Variant type: single nucleotide variant.
Coding change: c.773C>T on transcript NM_014009.4 (MANE Select); coding-DNA position 773, C replaced by T.
Protein change: p.Ala258Val; replaces alanine 258 with valine.
Molecular consequence: missense variant.
Genome position (GRCh38, 1-based): chrX:49,255,472, G>A on the plus strand (C>T on the coding strand, the complement: FOXP3 is on the minus strand). VCF-style: chrX-49255472-G-A. GRCh37 (hg19) VCF-style: chrX-49111933-G-A.
Other names: c.668C>T, p.Ala223Val (NM_001114377.2); short protein forms A258V, A223V.
Identifiers: ClinVar variation 529768 (VCV000529768.9), dbSNP rs369698589, ClinGen allele CA10411739.